The following is an entry in ClinVar:

ClinVar aggregate classification (germline): Uncertain significance (1 of 4 stars; one submission).

Submission:

GeneDx
Classification: Uncertain significance. Last evaluated: 2025-08-22. Review status: criteria provided, single submitter. Criteria: GeneDx Variant Classification Process June 2021. Collection method: clinical testing. Allele origin: germline. Affected: yes.
Comment: Not observed at significant frequency in large population cohorts (gnomAD); Canonical splice site variant in a gene for which loss-of-function is not an established mechanism of disease; Has not been previously published as pathogenic or benign to our knowledge

NM_001382309.1(ATXN7L3):c.738-2A>G

Gene: ATXN7L3 (ataxin 7 like 3; minus strand). Cytogenetic location: 17q21.31.
Variant type: single nucleotide variant.
Coding change: c.738-2A>G on transcript NM_001382309.1 (MANE Select); the canonical splice acceptor site of the intron before coding-DNA position 738, A replaced by G.
Molecular consequence: splice acceptor variant.
Genome position (GRCh38, 1-based): chr17:44,194,676, T>C on the plus strand (A>G on the coding strand, the complement: ATXN7L3 is on the minus strand). VCF-style: chr17-44194676-T-C. GRCh37 (hg19) VCF-style: chr17-42272044-T-C.
Other names: c.795-2A>G (NM_001382316.1); c.759-2A>G (NM_001382308.1, NM_001382314.1, NM_001382310.1 and 1 more transcripts); c.738-2A>G (NM_001382311.1, NM_001382313.1, NM_001382312.1).
Identifiers: ClinVar variation 4796667 (VCV004796667.1).
Genomic context (GRCh38, chr17:44,194,676, plus strand): 5'-GGCTGTCAGTCATGTCAAAGCTGTCATTATCCAGGGAGCTCTCGACCTCTGGAAGGACAC[T>C]GGAAAGGGGATGAGCCAAAGAAGGGCTTTAGAGATAGTGATCATCGCCCTAACTGGTCAC-3'